The following is an entry in ClinVar:

NM_133433.4(NIPBL):c.5192T>C (p.Ile1731Thr)

Gene: NIPBL (NIPBL cohesin loading factor; plus strand). Cytogenetic location: 5p13.2.
Variant type: single nucleotide variant.
Coding change: c.5192T>C on transcript NM_133433.4 (MANE Select); coding-DNA position 5192, T replaced by C.
Protein change: p.Ile1731Thr; replaces isoleucine 1731 with threonine.
Molecular consequence: missense variant.
Genome position (GRCh38, 1-based): chr5:37,020,640, T>C. VCF-style: chr5-37020640-T-C. GRCh37 (hg19) VCF-style: chr5-37020742-T-C.
Other names: c.5192T>C, p.Ile1731Thr (NM_015384.5); short protein forms I1731T.
Identifiers: ClinVar variation 1745926 (VCV001745926.2), dbSNP rs1431242540, ClinGen allele CA359487406.

ClinVar aggregate classification (germline): Uncertain significance (1 of 4 stars; one submission).

Conditions:
Inborn genetic diseases. Identifiers: MedGen C0950123, MeSH D030342.

Allele frequency attached by ClinVar (database versions not stated): gnomAD exomes below 0.00001.
gnomAD v4.1: 2 of 1,614,080 alleles (0.00012%); highest among the groups gnomAD compares: East Asian, 0.0045%; no homozygotes.

Submission:

Ambry Genetics
Classification: Uncertain significance for Inborn genetic diseases. Last evaluated: 2018-11-24. Review status: criteria provided, single submitter. Criteria: Ambry Variant Classification Scheme 2023. Collection method: clinical testing. Allele origin: germline.
Comment: The p.I1731T variant (also known as c.5192T>C), located in coding exon 25 of the NIPBL gene, results from a T to C substitution at nucleotide position 5192. The isoleucine at codon 1731 is replaced by threonine, an amino acid with similar properties. This amino acid position is highly conserved in available vertebrate species. In addition, the in silico prediction for this alteration is inconclusive. Since supporting evidence is limited at this time, the clinical significance of this alteration remains unclear.